The following is an entry in ClinVar:

GRCh38/hg38 Xp11.23(chrX:48612125-49292405)x2

Genes: CACNA1F (calcium voltage-gated channel subunit alpha1 F; minus strand), CCDC120 (coiled-coil domain containing 120; plus strand), CCDC22 (coiled-coil domain containing 22; plus strand), ERAS (ES cell expressed Ras; plus strand), FLICR (FOXP3 regulating long intergenic non-coding RNA; minus strand) and 101 more. Cytogenetic location: Xp11.23.
Variant type: copy number gain.
Change: copy number 2 of chrX:48,612,125-49,292,405 (680.3 kb, GRCh38 coordinates, 1-based), cytogenetic band Xp11.23.
Identifiers: ClinVar variation 60309 (VCV000060309.1).

ClinVar aggregate classification (germline): Uncertain significance (1 of 4 stars; one submission).

Submission:

ISCA site 14
Classification: Uncertain significance. Last evaluated: 2011-08-12. Review status: criteria provided, single submitter. Criteria: Kaminsky et al. (Genet Med. 2011). Collection method: clinical testing. Allele origin: unknown. Affected: yes. Observed: 1 variant allele.
Comment: Copy number variation identified through the course of routine clinical cytogenomic testing in postnatal populations. Clinical assertions have been curated as described in Kaminsky et al. 2011.